The following is an entry in ClinVar:

ClinVar aggregate classification (germline): Uncertain significance (1 of 4 stars; one submission).

Conditions:
Oto-palato-digital syndrome, type II (OPD2). Also called: FACIOPALATOOSSEOUS SYNDROME; OPD II SYNDROME; Otopalatodigital Syndrome, Type II; Otopalatodigital Syndrome Type 2 (FLNA-OPD2). Identifiers: Orphanet 669, Orphanet 90652, MedGen C1844696, MONDO:0010571, OMIM 304120.
Heterotopia, periventricular, X-linked dominant (PVNH1). Also called: PERIVENTRICULAR NODULAR HETEROTOPIA 1; X-linked periventricular heterotopia; PERIVENTRICULAR NODULAR HETEROTOPIA 4; HETEROTOPIA, PERIVENTRICULAR, 1. Identifiers: Orphanet 2149, Orphanet 82004, MedGen C1848213, MONDO:0010233, OMIM 300049.
Frontometaphyseal dysplasia (FMD1). Identifiers: Orphanet 1826, MedGen C0265293, MONDO:0015942.
Melnick-Needles syndrome (MNS). Also called: MELNICK-NEEDLES OSTEODYSPLASTY; OSTEODYSPLASTY OF MELNICK AND NEEDLES; Melnick-Needles Syndrome (FLNA-MNS). Identifiers: Orphanet 2484, MedGen C0025237, MONDO:0010650, OMIM 309350.

Submission:

Labcorp Genetics (formerly Invitae), Labcorp
Classification: Uncertain significance for Oto-palato-digital syndrome, type II; Heterotopia, periventricular, X-linked dominant; Frontometaphyseal dysplasia; Melnick-Needles syndrome. Last evaluated: 2023-05-16. Review status: criteria provided, single submitter. Criteria: Invitae Variant Classification Sherloc (09022015). Collection method: clinical testing. Allele origin: germline.
Comment: This variant is not present in population databases (gnomAD no frequency). In summary, the available evidence is currently insufficient to determine the role of this variant in disease. Therefore, it has been classified as a Variant of Uncertain Significance. Advanced modeling of protein sequence and biophysical properties (such as structural, functional, and spatial information, amino acid conservation, physicochemical variation, residue mobility, and thermodynamic stability) performed at Invitae indicates that this missense variant is not expected to disrupt FLNA protein function. This variant has not been reported in the literature in individuals affected with FLNA-related conditions. This sequence change replaces leucine, which is neutral and non-polar, with isoleucine, which is neutral and non-polar, at codon 2519 of the FLNA protein (p.Leu2519Ile).

NM_001110556.2(FLNA):c.7579C>A (p.Leu2527Ile)

Genes: FLNA (filamin A; minus strand), LOC107988032 (Xq28 proximal FLNA-EMD recombination region; plus strand). Cytogenetic location: Xq28.
Variant type: single nucleotide variant.
Coding change: c.7579C>A on transcript NM_001110556.2 (MANE Select); coding-DNA position 7579, C replaced by A.
Protein change: p.Leu2527Ile; replaces leucine 2527 with isoleucine.
Molecular consequence: missense variant.
Genome position (GRCh38, 1-based): chrX:154,349,539, G>T on the plus strand (C>A on the coding strand, the complement: FLNA is on the minus strand). VCF-style: chrX-154349539-G-T. GRCh37 (hg19) VCF-style: chrX-153577907-G-T.
Other names: c.7555C>A, p.Leu2519Ile (NM_001456.4); short protein forms L2527I, L2519I.
Identifiers: ClinVar variation 2947825 (VCV002947825.3), dbSNP rs1180712506, ClinGen allele CA415180981.